The following is an entry in ClinVar:

ClinVar aggregate classification (germline): Benign (0 of 4 stars; one submission).

Conditions:
NINL-related disorder. Also called: NINL-related condition.

Allele frequency attached by ClinVar (database versions not stated): ESP Exome Variant Server 0.00031; gnomAD exomes 0.00162; gnomAD 0.00179; TOPMed 0.00218; ExAC 0.00525; 1000 Genomes Project 30x 0.00874; 1000 Genomes Project 0.00879.
gnomAD v4.1: 2,697 of 1,598,150 alleles (0.17%); highest among the groups gnomAD compares: East Asian, 5%; 61 homozygotes.

Submission:

PreventionGenetics, part of Exact Sciences
Classification: Benign for NINL-related condition. Last evaluated: 2020-06-10. Review status: no assertion criteria provided. Collection method: clinical testing. Allele origin: germline.
Comment: This variant is classified as benign based on ACMG/AMP sequence variant interpretation guidelines (Richards et al. 2015 PMID: 25741868, with internal and published modifications).

NM_025176.6(NINL):c.2237C>T (p.Ser746Leu)

Gene: NINL (ninein like; minus strand). Cytogenetic location: 20p11.21.
Variant type: single nucleotide variant.
Coding change: c.2237C>T on transcript NM_025176.6 (MANE Select); coding-DNA position 2237, C replaced by T.
Protein change: p.Ser746Leu; replaces serine 746 with leucine.
Molecular consequence: missense variant. On other transcripts: intron variant (1).
Genome position (GRCh38, 1-based): chr20:25,477,054, G>A on the plus strand (C>T on the coding strand, the complement: NINL is on the minus strand). VCF-style: chr20-25477054-G-A. GRCh37 (hg19) VCF-style: chr20-25457690-G-A.
Other names: c.2201+1869C>T (NM_001318226.2); short protein forms S746L.
Identifiers: ClinVar variation 3042842 (VCV003042842.2), dbSNP rs143118786, ClinGen allele CA9797365.